The following is an entry in ClinVar:

NM_003073.5(SMARCB1):c.119G>A (p.Arg40Gln)

Gene: SMARCB1 (SWI/SNF related BAF chromatin remodeling complex subunit B1; plus strand). Cytogenetic location: 22q11.23.
Variant type: single nucleotide variant.
Coding change: c.119G>A on transcript NM_003073.5 (MANE Select); coding-DNA position 119, G replaced by A.
Protein change: p.Arg40Gln; replaces arginine 40 with glutamine.
Molecular consequence: missense variant.
Genome position (GRCh38, 1-based): chr22:23,791,781, G>A. VCF-style: chr22-23791781-G-A. GRCh37 (hg19) VCF-style: chr22-24133968-G-A.
Other names: c.119G>A, p.Arg40Gln (NM_001007468.3, NM_001317946.2, NM_001362877.2); short protein forms R40Q.
Identifiers: ClinVar variation 934572 (VCV000934572.11), dbSNP rs1928397102, ClinGen allele CA410932493.

ClinVar aggregate classification (germline): Uncertain significance. Review status: criteria provided, multiple submitters, no conflicts (2 of 4 stars). 2 submissions from 2 submitters: Uncertain significance (2). Last evaluated 2025-12-05.

Conditions:
Hereditary cancer-predisposing syndrome. Also called: Neoplastic Syndromes, Hereditary; Hereditary Cancer Syndrome; Hereditary neoplastic syndrome; Tumor predisposition. Identifiers: Orphanet 140162, MedGen C0027672, MeSH D009386, MONDO:0015356.

Submissions (2):

Ambry Genetics
Classification: Uncertain significance for Hereditary cancer-predisposing syndrome. Last evaluated: 2025-12-05. Review status: criteria provided, single submitter. Criteria: Ambry Variant Classification Scheme 2023. Collection method: clinical testing. Allele origin: germline.
Comment: The p.R40Q variant (also known as c.119G>A), located in coding exon 2 of the SMARCB1 gene, results from a G to A substitution at nucleotide position 119. The arginine at codon 40 is replaced by glutamine, an amino acid with highly similar properties. This amino acid position is highly conserved in available vertebrate species. In addition, this alteration is predicted to be deleterious by in silico analysis. Based on the available evidence, the clinical significance of this variant remains unclear.

Labcorp Genetics (formerly Invitae), Labcorp
Classification: Uncertain significance. Last evaluated: 2023-04-10. Review status: criteria provided, single submitter. Criteria: Invitae Variant Classification Sherloc (09022015). Collection method: clinical testing. Allele origin: germline.
Comment: In summary, the available evidence is currently insufficient to determine the role of this variant in disease. Therefore, it has been classified as a Variant of Uncertain Significance. An algorithm developed to predict the effect of missense changes on protein structure and function (PolyPhen-2) suggests that this variant is likely to be disruptive. ClinVar contains an entry for this variant (Variation ID: 934572). This variant has not been reported in the literature in individuals affected with SMARCB1-related conditions. This variant is not present in population databases (gnomAD no frequency). This sequence change replaces arginine, which is basic and polar, with glutamine, which is neutral and polar, at codon 40 of the SMARCB1 protein (p.Arg40Gln).